The following is an entry in ClinVar:

ClinVar aggregate classification (germline): Uncertain significance. Review status: criteria provided, multiple submitters, no conflicts (2 of 4 stars). 2 submissions from 2 submitters: Uncertain significance (2). Last evaluated 2025-11-20.

Conditions:
Inborn genetic diseases. Identifiers: MedGen C0950123, MeSH D030342.

gnomAD v4.1: 63 of 1,613,842 alleles (0.0039%); highest among the groups gnomAD compares: South Asian, 0.024%; no homozygotes.

Submissions (2):

Ambry Genetics
Classification: Uncertain significance for Inborn genetic diseases. Last evaluated: 2025-11-20. Review status: criteria provided, single submitter. Criteria: Ambry Variant Classification Scheme 2023. Collection method: clinical testing. Allele origin: germline.

Labcorp Genetics (formerly Invitae), Labcorp
Classification: Uncertain significance. Last evaluated: 2024-02-07. Review status: criteria provided, single submitter. Criteria: Invitae Variant Classification Sherloc (09022015). Collection method: clinical testing. Allele origin: germline.
Comment: This sequence change replaces arginine, which is basic and polar, with glutamine, which is neutral and polar, at codon 1318 of the POLR1A protein (p.Arg1318Gln). This variant is present in population databases (rs557086775, gnomAD 0.02%). This variant has not been reported in the literature in individuals affected with POLR1A-related conditions. ClinVar contains an entry for this variant (Variation ID: 1406873). Advanced modeling of protein sequence and biophysical properties (such as structural, functional, and spatial information, amino acid conservation, physicochemical variation, residue mobility, and thermodynamic stability) performed at Invitae indicates that this missense variant is not expected to disrupt POLR1A protein function with a negative predictive value of 80%. In summary, the available evidence is currently insufficient to determine the role of this variant in disease. Therefore, it has been classified as a Variant of Uncertain Significance.

NM_015425.6(POLR1A):c.3953G>A (p.Arg1318Gln)

Gene: POLR1A (RNA polymerase I subunit A; minus strand). Cytogenetic location: 2p11.2.
Variant type: single nucleotide variant.
Coding change: c.3953G>A on transcript NM_015425.6 (MANE Select); coding-DNA position 3953, G replaced by A.
Protein change: p.Arg1318Gln; replaces arginine 1318 with glutamine.
Molecular consequence: missense variant.
Genome position (GRCh38, 1-based): chr2:86,038,781, C>T on the plus strand (G>A on the coding strand, the complement: POLR1A is on the minus strand). VCF-style: chr2-86038781-C-T. GRCh37 (hg19) VCF-style: chr2-86265904-C-T.
Other names: c.3953G>A (NM_015425.3); short protein forms R1318Q.
Identifiers: ClinVar variation 1406873 (VCV001406873.10), dbSNP rs557086775, ClinGen allele CA1745633.